The following is an entry in ClinVar:

NM_025114.4(CEP290):c.3258G>A (p.Ser1086=)

Gene: CEP290 (centrosomal protein 290; minus strand). Cytogenetic location: 12q21.32.
Variant type: single nucleotide variant.
Coding change: c.3258G>A on transcript NM_025114.4 (MANE Select); coding-DNA position 3258, G replaced by A.
Protein change: p.Ser1086=; no amino-acid change (serine 1086 retained).
Molecular consequence: synonymous variant.
Genome position (GRCh38, 1-based): chr12:88,093,821, C>T on the plus strand (G>A on the coding strand, the complement: CEP290 is on the minus strand). VCF-style: chr12-88093821-C-T. GRCh37 (hg19) VCF-style: chr12-88487598-C-T.
Other names: c.3258G>A (NM_025114.3).
Identifiers: ClinVar variation 1102413 (VCV001102413.11), dbSNP rs775973036, ClinGen allele CA6712184.

ClinVar aggregate classification (germline): Likely benign. Review status: criteria provided, multiple submitters, no conflicts (2 of 4 stars). 3 submissions from 3 submitters: Likely benign (3). Last evaluated 2026-01-19.

Conditions:
CEP290-related disorder. Also called: CEP290-related condition; CEP290-related disorders. Identifiers: MedGen CN239314.
Meckel-Gruber syndrome. Also called: DYSENCEPHALIA SPLANCHNOCYSTICA; Dysencephalia splachnocystica; GRUBER SYNDROME. Identifiers: Orphanet 564, MedGen C0265215, MONDO:0018921.
Joubert syndrome. Also called: Familial aplasia of the vermis; JOUBERT-BOLTSHAUSER SYNDROME. Identifiers: Orphanet 475, MedGen C5979921, MONDO:0018772.
Nephronophthisis. Also called: Juvenile Nephronophthisis. Identifiers: Orphanet 655, MedGen C0687120, MONDO:0019005, HP:0000090.

Allele frequency attached by ClinVar (database versions not stated): ExAC 0.00001; gnomAD 0.00001; TOPMed 0.00001.
gnomAD v4.1: 28 of 1,612,358 alleles (0.0017%); highest among the groups gnomAD compares: South Asian, 0.0033%; 1 homozygote.

Submissions (3):

Labcorp Genetics (formerly Invitae), Labcorp
Classification: Likely benign for Joubert syndrome; Meckel-Gruber syndrome; Nephronophthisis. Last evaluated: 2026-01-19. Review status: criteria provided, single submitter. Criteria: Invitae Variant Classification Sherloc (09022015). Collection method: clinical testing. Allele origin: germline.

PreventionGenetics, part of Exact Sciences
Classification: Likely benign for CEP290-related condition. Last evaluated: 2025-10-16. Review status: criteria provided, single submitter. Criteria: ACMG Guidelines, 2015. Collection method: clinical testing. Allele origin: germline.
Comment: This variant is classified as likely benign based on ACMG/AMP sequence variant interpretation guidelines (Richards et al. 2015 PMID: 25741868, with internal and published modifications).

Blueprint Genetics
Classification: Likely benign. Last evaluated: 2024-05-30. Review status: criteria provided, single submitter. Criteria: ACMG Guidelines, 2015. Collection method: clinical testing. Allele origin: germline.